The following is an entry in ClinVar:

NM_016507.4(CDK12):c.1387G>A (p.Val463Met)

Gene: CDK12 (cyclin dependent kinase 12; plus strand). Cytogenetic location: 17q12.
Variant type: single nucleotide variant.
Coding change: c.1387G>A on transcript NM_016507.4 (MANE Select); coding-DNA position 1387, G replaced by A.
Protein change: p.Val463Met; replaces valine 463 with methionine.
Molecular consequence: missense variant.
Genome position (GRCh38, 1-based): chr17:39,471,219, G>A. VCF-style: chr17-39471219-G-A. GRCh37 (hg19) VCF-style: chr17-37627472-G-A.
Other names: c.1387G>A, p.Val463Met (NM_015083.4); short protein forms V463M.
Identifiers: ClinVar variation 2459015 (VCV002459015.3), dbSNP rs376668823, ClinGen allele CA8531129.

ClinVar aggregate classification (germline): Uncertain significance (1 of 4 stars; one submission).

Allele frequency attached by ClinVar (database versions not stated): ESP Exome Variant Server 0.00008.
gnomAD v4.1: 41 of 1,598,316 alleles (0.0026%); highest among the groups gnomAD compares: African/African-American, 0.05%; no homozygotes.

Submission:

Ambry Genetics
Classification: Uncertain significance. Last evaluated: 2024-10-17. Review status: criteria provided, single submitter. Criteria: Ambry Variant Classification Scheme 2023. Collection method: clinical testing. Allele origin: germline.
Comment: The p.V463M variant (also known as c.1387G>A), located in coding exon 2 of the CDK12 gene, results from a G to A substitution at nucleotide position 1387. The valine at codon 463 is replaced by methionine, an amino acid with highly similar properties. This amino acid position is conserved. In addition, this alteration is predicted to be tolerated by in silico analysis. Based on the available evidence, the clinical significance of this variant remains unclear.